The following is an entry in ClinVar:

NM_001130438.3(SPTAN1):c.4231T>C (p.Tyr1411His)

Gene: SPTAN1 (spectrin alpha, non-erythrocytic 1; plus strand). Cytogenetic location: 9q34.11.
Variant type: single nucleotide variant.
Coding change: c.4231T>C on transcript NM_001130438.3 (MANE Select); coding-DNA position 4231, T replaced by C.
Protein change: p.Tyr1411His; replaces tyrosine 1411 with histidine.
Molecular consequence: missense variant.
Genome position (GRCh38, 1-based): chr9:128,607,936, T>C. VCF-style: chr9-128607936-T-C. GRCh37 (hg19) VCF-style: chr9-131370215-T-C.
Other names: c.4171T>C, p.Tyr1391His (NM_001195532.2, NM_001363765.2, NM_001375314.2); c.4231T>C, p.Tyr1411His (NM_001363759.2, NM_001375310.1, NM_001375311.2 and 2 more transcripts); c.4267T>C, p.Tyr1423His (NM_001375312.2, NM_001375318.1); short protein forms Y1391H, Y1411H, Y1423H.
Identifiers: ClinVar variation 1311474 (VCV001311474.2), dbSNP rs2131617024, ClinGen allele CA375066520.

ClinVar aggregate classification (germline): Uncertain significance (1 of 4 stars; one submission).

Submission:

GeneDx
Classification: Uncertain significance. Last evaluated: 2020-01-15. Review status: criteria provided, single submitter. Criteria: GeneDx Variant Classification Process June 2021. Collection method: clinical testing. Allele origin: germline. Affected: yes.
Comment: Has not been previously published as pathogenic or benign to our knowledge; Not observed in large population cohorts (Lek et al., 2016); In silico analysis, which includes protein predictors and evolutionary conservation, supports a deleterious effect